The following is an entry in ClinVar:

ClinVar aggregate classification (germline): Uncertain significance. Review status: criteria provided, multiple submitters, no conflicts (2 of 4 stars). 2 submissions from 2 submitters: Uncertain significance (2). Last evaluated 2025-05-09.

Conditions:
Inborn genetic diseases. Identifiers: MedGen C0950123, MeSH D030342.

Allele frequency attached by ClinVar (database versions not stated): TOPMed 0.00001; gnomAD exomes 0.00002; gnomAD 0.00001; ExAC 0.00002.

Submissions (2):

Ambry Genetics
Classification: Uncertain significance for Inborn genetic diseases. Last evaluated: 2025-05-09. Review status: criteria provided, single submitter. Criteria: Ambry Variant Classification Scheme 2023. Collection method: clinical testing. Allele origin: germline.

Labcorp Genetics (formerly Invitae), Labcorp
Classification: Uncertain significance. Last evaluated: 2024-02-24. Review status: criteria provided, single submitter. Criteria: Invitae Variant Classification Sherloc (09022015). Collection method: clinical testing. Allele origin: germline.
Comment: This sequence change replaces proline, which is neutral and non-polar, with serine, which is neutral and polar, at codon 541 of the SLC26A3 protein (p.Pro541Ser). This variant is present in population databases (rs780435705, gnomAD 0.006%). This variant has not been reported in the literature in individuals affected with SLC26A3-related conditions. ClinVar contains an entry for this variant (Variation ID: 1524039). Advanced modeling of protein sequence and biophysical properties (such as structural, functional, and spatial information, amino acid conservation, physicochemical variation, residue mobility, and thermodynamic stability) performed at Invitae indicates that this missense variant is not expected to disrupt SLC26A3 protein function with a negative predictive value of 95%. In summary, the available evidence is currently insufficient to determine the role of this variant in disease. Therefore, it has been classified as a Variant of Uncertain Significance.

NM_000111.3(SLC26A3):c.1621C>T (p.Pro541Ser)

Gene: SLC26A3 (solute carrier family 26 member 3; minus strand). Cytogenetic location: 7q22.3.
Variant type: single nucleotide variant.
Coding change: c.1621C>T on transcript NM_000111.3 (MANE Select); coding-DNA position 1621, C replaced by T.
Protein change: p.Pro541Ser; replaces proline 541 with serine.
Molecular consequence: missense variant.
Genome position (GRCh38, 1-based): chr7:107,776,508, G>A on the plus strand (C>T on the coding strand, the complement: SLC26A3 is on the minus strand). VCF-style: chr7-107776508-G-A. GRCh37 (hg19) VCF-style: chr7-107416953-G-A.
Other names: c.1621C>T (NM_000111.2); short protein forms P541S.
Identifiers: ClinVar variation 1524039 (VCV001524039.5), dbSNP rs780435705, ClinGen allele CA4433763.